The following is an entry in ClinVar:

ClinVar aggregate classification (germline): Likely pathogenic (1 of 4 stars; one submission).

Conditions:
Inborn genetic diseases. Identifiers: MedGen C0950123, MeSH D030342.

Submission:

Ambry Genetics
Classification: Likely pathogenic for Inborn genetic diseases. Last evaluated: 2025-04-16. Review status: criteria provided, single submitter. Criteria: Ambry Variant Classification Scheme 2023. Collection method: clinical testing. Allele origin: germline.
Comment: The c.427_595+78del variant results from a deletion of 246 nucleotides between positions c.427 and c.595+78 and involves the canonical splice donor site after coding exon 1 of the PKD2 gene. Alterations that disrupt the canonical splice site are expected to cause aberrant splicing, resulting in an abnormal protein or a transcript that is subject to nonsense-mediated mRNA decay. This variant was not reported in population-based cohorts in the Genome Aggregation Database (gnomAD). Based on the available evidence, this alteration is classified as likely pathogenic.

NM_000297.4(PKD2):c.427_595+78del

Genes: PKD2 (polycystin 2, transient receptor potential cation channel; plus strand), LOC129992813 (ATAC-STARR-seq lymphoblastoid silent region 15559; plus strand), LOC129992814 (ATAC-STARR-seq lymphoblastoid silent region 15560; plus strand). Cytogenetic location: 4q22.1.
Variant type: Deletion.
Coding change: c.427_595+78del on transcript NM_000297.4 (MANE Select); coding-DNA position 427 through 78 bases into the intron after coding-DNA position 595, 247 bases deleted.
Molecular consequence: splice donor variant.
Genome position (GRCh38, 1-based): chr4:88,008,160-88,008,406, 247 bases deleted. GRCh37 (hg19): chr4:88,929,312-88,929,558.
Identifiers: ClinVar variation 3213672 (VCV003213672.2), dbSNP rs2476358273, ClinGen allele CA2825001310.